The following is an entry in ClinVar:

NM_001277115.2(DNAH11):c.1108C>A (p.Leu370Met)

Gene: DNAH11 (dynein axonemal heavy chain 11; plus strand). Cytogenetic location: 7p15.3.
Variant type: single nucleotide variant.
Coding change: c.1108C>A on transcript NM_001277115.2 (MANE Select); coding-DNA position 1108, C replaced by A.
Protein change: p.Leu370Met; replaces leucine 370 with methionine.
Molecular consequence: missense variant.
Genome position (GRCh38, 1-based): chr7:21,564,311, C>A. VCF-style: chr7-21564311-C-A. GRCh37 (hg19) VCF-style: chr7-21603929-C-A.
Other names: short protein forms L370M.
Identifiers: ClinVar variation 454639 (VCV000454639.14), dbSNP rs189175047, ClinGen allele CA4178901.

ClinVar aggregate classification (germline): Conflicting classifications of pathogenicity. Review status: criteria provided, conflicting classifications (1 of 4 stars). 5 submissions from 5 submitters: Uncertain significance (3); Benign (1). 1 of the submissions does not count toward it. Last evaluated 2025-11-27.

Conditions:
Infertility disorder. Also called: Infertility. Identifiers: MedGen C0021359, MeSH D007246, MONDO:0005047, HP:0000789.
Primary ciliary dyskinesia. Also called: Ciliary dyskinesia. Identifiers: Orphanet 244, MedGen C0008780, MONDO:0016575, HP:0012265.

Allele frequency attached by ClinVar (database versions not stated): gnomAD exomes 0.00002; TOPMed 0.00002; 1000 Genomes Project 30x 0.00031; 1000 Genomes Project 0.00040; ExAC 0.00001; gnomAD 0.00002.
gnomAD v4.1: 67 of 1,613,636 alleles (0.0042%); highest among the groups gnomAD compares: Middle Eastern, 0.083%; no homozygotes.

Submissions (5):

Labcorp Genetics (formerly Invitae), Labcorp
Classification: Benign for Primary ciliary dyskinesia. Last evaluated: 2025-11-27. Review status: criteria provided, single submitter. Criteria: Invitae Variant Classification Sherloc (09022015). Collection method: clinical testing. Allele origin: germline.

Blueprint Genetics
Classification: Uncertain significance. Last evaluated: 2024-09-02. Review status: criteria provided, single submitter. Criteria: ACMG Guidelines, 2015. Collection method: clinical testing. Allele origin: germline.

GeneDx
Classification: Uncertain significance. Last evaluated: 2023-07-20. Review status: criteria provided, single submitter. Criteria: GeneDx Variant Classification Process June 2021. Collection method: clinical testing. Allele origin: germline. Affected: yes.
Comment: In silico analysis supports that this missense variant does not alter protein structure/function; This variant is associated with the following publications: (PMID: 33988008)

Breakthrough Genomics
Classification: Uncertain significance. Review status: criteria provided, single submitter. Criteria: ACMG Guidelines, 2015. Collection method: not provided. Allele origin: germline. Inheritance: Autosomal recessive inheritance. Affected: yes.

MAGI's Lab - Research, MAGI Group
Classification: Uncertain significance for Infertility disorder. Review status: no assertion criteria provided. Collection method: provider interpretation. Allele origin: germline. Affected: yes. Not counted in ClinVar's aggregate classification.